The following is an entry in ClinVar:

ClinVar aggregate classification (germline): Uncertain significance. Review status: criteria provided, multiple submitters, no conflicts (2 of 4 stars). 2 submissions from 2 submitters: Uncertain significance (2). Last evaluated 2022-05-20.

Conditions:
Inborn genetic diseases. Identifiers: MedGen C0950123, MeSH D030342.

Allele frequency attached by ClinVar (database versions not stated): ExAC 0.00011; ESP Exome Variant Server 0.00008; TOPMed 0.00042; 1000 Genomes Project 0.00020; 1000 Genomes Project 30x 0.00031.
gnomAD v4.1: 117 of 1,606,898 alleles (0.0073%); highest among the groups gnomAD compares: African/African-American, 0.12%; no homozygotes.

Submissions (2):

Labcorp Genetics (formerly Invitae), Labcorp
Classification: Uncertain significance. Last evaluated: 2022-05-20. Review status: criteria provided, single submitter. Criteria: Invitae Variant Classification Sherloc (09022015). Collection method: clinical testing. Allele origin: germline.
Comment: In summary, the available evidence is currently insufficient to determine the role of this variant in disease. Therefore, it has been classified as a Variant of Uncertain Significance. Algorithms developed to predict the effect of missense changes on protein structure and function (SIFT, PolyPhen-2, Align-GVGD) all suggest that this variant is likely to be disruptive. This variant has not been reported in the literature in individuals affected with HR-related conditions. This variant is present in population databases (rs139800068, gnomAD 0.1%). This sequence change replaces arginine, which is basic and polar, with glutamine, which is neutral and polar, at codon 565 of the HR protein (p.Arg565Gln).

Ambry Genetics
Classification: Uncertain significance for Inborn genetic diseases. Last evaluated: 2021-08-17. Review status: criteria provided, single submitter. Criteria: Ambry Variant Classification Scheme 2023. Collection method: clinical testing. Allele origin: germline.

NM_005144.5(HR):c.1694G>A (p.Arg565Gln)

Gene: HR (HR lysine demethylase and nuclear receptor corepressor; minus strand). Cytogenetic location: 8p21.3.
Variant type: single nucleotide variant.
Coding change: c.1694G>A on transcript NM_005144.5 (MANE Select); coding-DNA position 1694, G replaced by A.
Protein change: p.Arg565Gln; replaces arginine 565 with glutamine.
Molecular consequence: missense variant.
Genome position (GRCh38, 1-based): chr8:22,125,367, C>T on the plus strand (G>A on the coding strand, the complement: HR is on the minus strand). VCF-style: chr8-22125367-C-T. GRCh37 (hg19) VCF-style: chr8-21982880-C-T.
Other names: c.1694G>A (NM_005144.4); c.1694G>A, p.Arg565Gln (NM_018411.4); short protein forms R565Q.
Identifiers: ClinVar variation 2064555 (VCV002064555.5), dbSNP rs139800068, ClinGen allele CA4662383.
Genomic context (GRCh38, chr8:22,125,367, plus strand): 5'-TCACCTTCCCGCTGGGCCCAAGCCAGGGCCTCCCGCTCCCTCCGCAGCAGGCGGCACAGT[C>T]GGTCCCCCAAACCACTGAGCAGGTGCTTGGCGAGGCCTGTGCTGAGCCGGCTGTCAGGGC-3'
Protein context (NP_005135.2, residues 555-575): AKHLLSGLGD[Arg565Gln]LCRLLRRERE